The following is an entry in ClinVar:

NM_001127671.2(LIFR):c.2074C>T (p.Arg692Ter)

Gene: LIFR (LIF receptor subunit alpha; minus strand). Cytogenetic location: 5p13.1.
Variant type: single nucleotide variant.
Coding change: c.2074C>T on transcript NM_001127671.2 (MANE Select); coding-DNA position 2074, C replaced by T.
Protein change: p.Arg692Ter; replaces arginine 692 with a stop codon.
Molecular consequence: nonsense.
Genome position (GRCh38, 1-based): chr5:38,490,283, G>A on the plus strand (C>T on the coding strand, the complement: LIFR is on the minus strand). VCF-style: chr5-38490283-G-A. GRCh37 (hg19) VCF-style: chr5-38490385-G-A.
Other names: c.2074C>T, p.Arg692Ter (NM_001364297.2, NM_001364298.2, NM_002310.6); short protein forms R692*.
Identifiers: ClinVar variation 189235 (VCV000189235.17), dbSNP rs199775294, ClinGen allele CA199164.

ClinVar aggregate classification (germline): Pathogenic/Likely pathogenic. Review status: criteria provided, multiple submitters, no conflicts (2 of 4 stars). 7 submissions from 7 submitters: Pathogenic (5); Likely pathogenic (1). 1 of the submissions does not count toward it. Last evaluated 2025-10-06.

Conditions:
LIFR-related disorder. Also called: LIFR-related condition.
Stüve-Wiedemann syndrome 1. Also called: STUVE-WIEDEMANN/SCHWARTZ-JAMPEL TYPE 2 SYNDROME. Identifiers: Orphanet 3206, MedGen C5676888, MONDO:0800043, OMIM 601559.
Stuve-Wiedemann syndrome (STWS). Also called: Stüve-Wiedemann syndrome. Identifiers: Orphanet 3206, MedGen C0796176, MONDO:0031280.

Allele frequency attached by ClinVar (database versions not stated): gnomAD exomes 0.00004 and 0.00003; ExAC 0.00002; gnomAD 0.00002; TOPMed 0.00002.
gnomAD v4.1: 47 of 1,475,820 alleles (0.0032%); highest among the groups gnomAD compares: Non-Finnish European, 0.0014%; no homozygotes.

Submissions (7):

Women's Health and Genetics/Laboratory Corporation of America, LabCorp
Classification: Pathogenic for Stuve-Wiedemann syndrome. Last evaluated: 2025-10-06. Review status: criteria provided, single submitter. Criteria: LabCorp Variant Classification Summary - May 2015. Collection method: clinical testing. Allele origin: germline.
Comment: Variant summary: LIFR c.2074C>T (p.Arg692X) results in a premature termination codon, predicted to cause a truncation of the encoded protein or absence of the protein due to nonsense mediated decay, which are commonly known mechanisms for disease. The variant allele was found at a frequency of 4e-05 in 247352 control chromosomes. This frequency is not significantly higher than estimated for disease-causing variants in LIFR, allowing no conclusion about variant significance. c.2074C>T has been observed in individual(s) affected with Stuve-Wiedemann Syndrome (example: Melnik_2024). To our knowledge, no experimental evidence demonstrating an impact on protein function has been reported. The following publication has been ascertained in the context of this evaluation (PMID: 39554307). ClinVar contains an entry for this variant (Variation ID: 189235). Based on the evidence outlined above, the variant was classified as pathogenic.

Natera, Inc.
Classification: Pathogenic for Stuve-Wiedemann syndrome. Last evaluated: 2025-09-15. Review status: criteria provided, single submitter. Criteria: Natera Variant Classification Schema (03/2026). Collection method: clinical testing. Allele origin: germline.
Comment: The c.2074C>T variant in LIFR is a nonsense variant predicted to introduce a stop codon at amino acid 692. This variant is expected to result in nonsense mediated decay, truncation, or a dysfunctional protein product. The frequency of this variant in the general population is greater than expected for disorder. This variant has been observed in one or more individuals affected with the associated recessive disease, as either homozygous or compound heterozygous with a second variant (PMID: 24988918). Additionally, this variant has been observed to segregate in affected family members (PMID: 24988918). Given the available evidence, this variant is classified as Pathogenic.

Blueprint Genetics
Classification: Pathogenic for LIFR-related disorders. Last evaluated: 2024-10-22. Review status: criteria provided, single submitter. Criteria: ACMG Guidelines, 2015. Collection method: clinical testing. Allele origin: germline. Affected: yes. Observed: 3 variant alleles.

Fulgent Genetics
Classification: Pathogenic for Stüve-Wiedemann syndrome 1. Last evaluated: 2024-06-10. Review status: criteria provided, single submitter. Criteria: ACMG Guidelines, 2015. Collection method: clinical testing. Allele origin: germline.

Labcorp Genetics (formerly Invitae), Labcorp
Classification: Pathogenic. Last evaluated: 2024-01-18. Review status: criteria provided, single submitter. Criteria: Invitae Variant Classification Sherloc (09022015). Collection method: clinical testing. Allele origin: germline.
Comment: This sequence change creates a premature translational stop signal (p.Arg692*) in the LIFR gene. It is expected to result in an absent or disrupted protein product. Loss-of-function variants in LIFR are known to be pathogenic (PMID: 14740318). This variant is present in population databases (rs199775294, gnomAD 0.08%). This premature translational stop signal has been observed in individuals with Stuve-Wiedemann syndrome (PMID: 24988918). It has also been observed to segregate with disease in related individuals. ClinVar contains an entry for this variant (Variation ID: 189235). Algorithms developed to predict the effect of sequence changes on RNA splicing suggest that this variant may disrupt the consensus splice site. For these reasons, this variant has been classified as Pathogenic.

Laboratory for Molecular Medicine, Mass General Brigham Personalized Medicine
Classification: Likely pathogenic for Stuve-Wiedemann syndrome/Schwartz-Jampel type 2 syndrome. Last evaluated: 2014-03-19. Review status: criteria provided, single submitter. Criteria: LMM Criteria. Collection method: clinical testing. Allele origin: germline. Inheritance: Autosomal recessive inheritance. Observed: 1 variant allele. Study: CSER-MedSeq.
Comment: The Arg692X variant in LIFR gene has not been reported in the literature but has been identified in 1/1319 European chromosomes by the ClinSeq project. This nonsense variant leads to a premature termination codon at position 692, which is predicted to lead to a truncated or absent protein. Heterozygous loss of function of the LIFR gene is strongly associated with Stuve-Wiedemann syndrome (SWS). In summary, this variant is likely pathogenic, though additional studies are required to fully establish its clinical significance.

OMIM
Classification: Pathogenic for STUVE-WIEDEMANN SYNDROME 1. Last evaluated: 2014-09-01. Review status: no assertion criteria provided. Collection method: literature only. Allele origin: germline. Not counted in ClinVar's aggregate classification.

Literature cited by the submitters: PubMed 39554307 (cited by Women's Health and Genetics/Laboratory Corporation of America, LabCorp); PubMed 24988918 (cited by 3 submitters); PubMed 14740318 (cited by Labcorp Genetics (formerly Invitae), Labcorp).